The following is an entry in ClinVar:

ClinVar aggregate classification (germline): Uncertain significance. Review status: criteria provided, multiple submitters, no conflicts (2 of 4 stars). 2 submissions from 2 submitters: Uncertain significance (2). Last evaluated 2026-01-21.

Conditions:
Progressive sclerosing poliodystrophy (MTDPS4A). Also called: Mitochondrial DNA depletion syndrome 4A (Alpers type); Alpers Syndrome; NEURONAL DEGENERATION OF CHILDHOOD WITH LIVER DISEASE, PROGRESSIVE; ALPERS DIFFUSE DEGENERATION OF CEREBRAL GRAY MATTER WITH HEPATIC CIRRHOSIS; Alpers-Huttenlocher Syndrome; Mitochondrial DNA Depletion Syndrome 4A. Identifiers: Orphanet 726, MedGen C0205710, MONDO:0008758, OMIM 203700.

Submissions (2):

GeneDx
Classification: Uncertain significance. Last evaluated: 2026-01-21. Review status: criteria provided, single submitter. Criteria: GeneDx Variant Classification Process June 2021. Collection method: clinical testing. Allele origin: germline.
Comment: Not observed at significant frequency in large population cohorts (gnomAD); In-frame duplication of 3 amino acid(s) in a non-repeat region; Has not been previously published as pathogenic or benign to our knowledge

Labcorp Genetics (formerly Invitae), Labcorp
Classification: Uncertain significance for Progressive sclerosing poliodystrophy. Last evaluated: 2025-01-27. Review status: criteria provided, single submitter. Criteria: Invitae Variant Classification Sherloc (09022015). Collection method: clinical testing. Allele origin: germline.
Comment: This variant, c.168_176dup, results in the insertion of 3 amino acid(s) of the POLG protein (p.Gln58_Gln60dup), but otherwise preserves the integrity of the reading frame. The frequency data for this variant in the population databases is considered unreliable, as metrics indicate poor data quality at this position in the gnomAD database. This variant has not been reported in the literature in individuals affected with POLG-related conditions. ClinVar contains an entry for this variant (Variation ID: 942573). Experimental studies and prediction algorithms are not available or were not evaluated, and the functional significance of this variant is currently unknown. In summary, the available evidence is currently insufficient to determine the role of this variant in disease. Therefore, it has been classified as a Variant of Uncertain Significance.

NM_002693.3(POLG):c.168_176dup (p.55QPQ[3])

Genes: POLGARF (POLG alternative reading frame; minus strand), POLG (DNA polymerase gamma, catalytic subunit; minus strand). Cytogenetic location: 15q26.1.
Variant type: Duplication.
Coding change: c.168_176dup on transcript NM_002693.3 (MANE Select); coding-DNA positions 168 to 176, 9 bases duplicated (TCAGCAGCC; older notation c.168_176dupTCAGCAGCC).
Protein change: p.55QPQ[3].
Molecular consequence: inframe insertion.
Genome position (GRCh38, 1-based): chr15:89,333,579-89,333,587, GGCTGCTGA duplicated on the plus strand (TCAGCAGCC on the coding strand, the reverse complement: POLG is on the minus strand); duplicating any 9 consecutive bases within chr15:89,333,579-89,333,595 gives the same sequence; the c. name uses the placement nearest the transcript's 3' end. VCF-style (leftmost placement, unchanged base first): chr15-89333578-C-CGGCTGCTGA. GRCh37 (hg19) VCF-style: chr15-89876809-C-CGGCTGCTGA.
Other names: c.168_176dup, p.55QPQ[3] (NM_001126131.2).
Identifiers: ClinVar variation 942573 (VCV000942573.10), dbSNP rs771937417, ClinGen allele CA7725168.